The following is an entry in ClinVar:

NM_182916.3(TRNT1):c.829G>T (p.Glu277Ter)

Gene: TRNT1 (tRNA nucleotidyl transferase 1; plus strand). Cytogenetic location: 3p26.2.
Variant type: single nucleotide variant.
Coding change: c.829G>T on transcript NM_182916.3 (MANE Select); coding-DNA position 829, G replaced by T.
Protein change: p.Glu277Ter; replaces glutamic acid 277 with a stop codon.
Molecular consequence: nonsense. On other transcripts: non-coding transcript variant (8).
Genome position (GRCh38, 1-based): chr3:3,147,476, G>T. VCF-style: chr3-3147476-G-T. GRCh37 (hg19) VCF-style: chr3-3189160-G-T.
Other names: p.Glu277*; c.769G>T, p.Glu257Ter (NM_001302946.2); c.829G>T, p.Glu277Ter (NM_001367321.1, NM_001367322.1, NM_001367323.1); short protein forms E277*, E257*.
Identifiers: ClinVar variation 1366781 (VCV001366781.8), dbSNP rs370699359, ClinGen allele CA2228809.

ClinVar aggregate classification (germline): Pathogenic/Likely pathogenic. Review status: criteria provided, multiple submitters, no conflicts (2 of 4 stars). 3 submissions from 3 submitters: Pathogenic (2); Likely pathogenic (1). Last evaluated 2025-03-21.

Conditions:
Congenital sideroblastic anemia-B-cell immunodeficiency-periodic fever-developmental delay syndrome. Also called: Sideroblastic anemia with B-cell immunodeficiency, periodic fevers, and developmental delay. Identifiers: Orphanet 369861, MedGen C4015172, MONDO:0014487, OMIM 616084.
Retinitis pigmentosa and erythrocytic microcytosis (RPEM). Identifiers: MedGen C4310776, MONDO:0014850, OMIM 616959.

Allele frequency attached by ClinVar (database versions not stated): gnomAD 0.00004; TOPMed 0.00005; ESP Exome Variant Server 0.00008.
gnomAD v4.1: 99 of 1,613,476 alleles (0.0061%); highest among the groups gnomAD compares: Non-Finnish European, 0.0079%; no homozygotes.

Submissions (3):

Labcorp Genetics (formerly Invitae), Labcorp
Classification: Pathogenic for Congenital sideroblastic anemia-B-cell immunodeficiency-periodic fever-developmental delay syndrome. Last evaluated: 2025-03-21. Review status: criteria provided, single submitter. Criteria: Invitae Variant Classification Sherloc (09022015). Collection method: clinical testing. Allele origin: germline.
Comment: This sequence change creates a premature translational stop signal (p.Glu277*) in the TRNT1 gene. It is expected to result in an absent or disrupted protein product. Loss-of-function variants in TRNT1 are known to be pathogenic (PMID: 25193871). This variant is present in population databases (rs370699359, gnomAD 0.002%). This premature translational stop signal has been observed in individual(s) with clinical features of congenital sideroblastic anemia (PMID: 31338833). ClinVar contains an entry for this variant (Variation ID: 1366781). Algorithms developed to predict the effect of sequence changes on RNA splicing suggest that this variant may disrupt the consensus splice site. For these reasons, this variant has been classified as Pathogenic.

Mayo Clinic Laboratories, Mayo Clinic
Classification: Pathogenic. Last evaluated: 2024-04-09. Review status: criteria provided, single submitter. Criteria: ACMG Guidelines, 2015. Collection method: clinical testing. Allele origin: germline. Observed: 1 variant allele.
Comment: PM2, PM3_supporting, PS4_moderate, PVS1

Fulgent Genetics
Classification: Likely pathogenic for Congenital sideroblastic anemia-B-cell immunodeficiency-periodic fever-developmental delay syndrome; Retinitis pigmentosa and erythrocytic microcytosis. Last evaluated: 2022-03-02. Review status: criteria provided, single submitter. Criteria: ACMG Guidelines, 2015. Collection method: clinical testing. Allele origin: unknown.

Literature cited by the submitters: PubMed 25193871 (cited by Labcorp Genetics (formerly Invitae), Labcorp); PubMed 31338833 (cited by Labcorp Genetics (formerly Invitae), Labcorp and Mayo Clinic Laboratories, Mayo Clinic); PubMed 35984545 (cited by Mayo Clinic Laboratories, Mayo Clinic); PubMed 36729249 (cited by Mayo Clinic Laboratories, Mayo Clinic).